The following is an entry in ClinVar:

ClinVar aggregate classification (germline): Pathogenic (1 of 4 stars; one submission).

Conditions:
Donnai-Barrow syndrome. Also called: DBS/FOAR SYNDROME; FACIOOCULOACOUSTICORENAL SYNDROME. Identifiers: Orphanet 2143, MedGen C1857277, MONDO:0009104, OMIM 222448.

Submission:

Myriad Genetics, Inc.
Classification: Pathogenic for Donnai-Barrow syndrome. Last evaluated: 2025-09-25. Review status: criteria provided, single submitter. Criteria: Myriad Autosomal Dominant, Autosomal Recessive and X-Linked Classification Criteria (2023). Collection method: clinical testing. Allele origin: unknown.
Comment: NM_004525.2(LRP2):c.2885C>A(S962*) is expected to be pathogenic in the context of Donnai-Barrow syndrome. This variant is predicted to lead to an abnormal or absent protein product due to the creation of a premature termination codon in LRP2, a gene where loss-of-function variants are known to be pathogenic. Please note: this variant was assessed in the context of healthy population screening.

NM_004525.3(LRP2):c.2885C>A (p.Ser962Ter)

Gene: LRP2 (LDL receptor related protein 2; minus strand). Cytogenetic location: 2q31.1.
Variant type: single nucleotide variant.
Coding change: c.2885C>A on transcript NM_004525.3 (MANE Select); coding-DNA position 2885, C replaced by A.
Protein change: p.Ser962Ter; replaces serine 962 with a stop codon.
Molecular consequence: nonsense.
Genome position (GRCh38, 1-based): chr2:169,247,401, G>T on the plus strand (C>A on the coding strand, the complement: LRP2 is on the minus strand). VCF-style: chr2-169247401-G-T. GRCh37 (hg19) VCF-style: chr2-170103911-G-T.
Other names: short protein forms S962*.
Identifiers: ClinVar variation 5015024 (VCV005015024.1).